The following is an entry in ClinVar:

NM_001378454.1(ALMS1):c.9539G>A (p.Arg3180Gln)

Gene: ALMS1 (ALMS1 centrosome and basal body associated protein; plus strand). Cytogenetic location: 2p13.1.
Variant type: single nucleotide variant.
Coding change: c.9539G>A on transcript NM_001378454.1 (MANE Select); coding-DNA position 9539, G replaced by A.
Protein change: p.Arg3180Gln; replaces arginine 3180 with glutamine.
Molecular consequence: missense variant.
Genome position (GRCh38, 1-based): chr2:73,491,498, G>A. VCF-style: chr2-73491498-G-A. GRCh37 (hg19) VCF-style: chr2-73718625-G-A.
Other names: c.9542G>A, p.Arg3181Gln (NM_015120.4); short protein forms R3181Q, R3180Q.
Identifiers: ClinVar variation 553784 (VCV000553784.6), dbSNP rs772197358, ClinGen allele CA1714679.
Genomic context (GRCh38, chr2:73,491,498, plus strand): 5'-TGAACATTTCAGATTTCGAAGGACATTCCAATCCAGAGGGGACCCCAGTATTTGCAGATC[G>A]GTGAGTCTCATTGTGATAACAAGCAAGCTGGATGGACTTTGTAATAAAGGGTTTCAAATA-3'
Protein context (NP_001365383.1, residues 3170-3190): NPEGTPVFAD[Arg3180Gln]LPEKMKTPLS

ClinVar aggregate classification (germline): Likely pathogenic. Review status: criteria provided, multiple submitters, no conflicts (2 of 4 stars). 3 submissions from 3 submitters: Likely pathogenic (2). 1 of the submissions does not count toward it. Last evaluated 2026-04-29.

Conditions:
Cardiovascular phenotype. Identifiers: MedGen CN230736.
Alstrom syndrome (ALMS). Identifiers: Orphanet 64, MedGen C0268425, MONDO:0008763, OMIM 203800.

Allele frequency attached by ClinVar (database versions not stated): TOPMed below 0.00001; ExAC 0.00001; gnomAD exomes 0.00001.
gnomAD v4.1: 10 of 1,613,848 alleles (0.00062%); highest among the groups gnomAD compares: East Asian, 0.0022%; no homozygotes.

Submissions (3):

Ambry Genetics
Classification: Likely pathogenic for Cardiovascular phenotype. Last evaluated: 2026-04-29. Review status: criteria provided, single submitter. Criteria: Ambry Variant Classification Scheme 2023. Collection method: clinical testing. Allele origin: germline.
Comment: The c.9542G>A variant (also known as p.R3181Q), located in coding exon 10 of the ALMS1 gene, results from a G to A substitution at nucleotide position 9542. The arginine at codon 3181 is replaced by glutamine, an amino acid with highly similar properties. This variant has been reported as homozygous in a subject with features of Alstrom syndrome (Shi J et al. Front Genet, 2022 Jan;13:1104420). RNA studies have demonstrated that this variant results in abnormal splicing in the set of samples tested (Ambry internal data; Shi J et al. Front Genet, 2022 Jan;13:1104420). This nucleotide position is highly conserved in available vertebrate species. In silico splice site analysis predicts that this alteration will weaken the native splice donor site. This variant is considered to be rare based on population cohorts in the Genome Aggregation Database (gnomAD). Based on the majority of available evidence to date, this variant is likely to be pathogenic.

GeneDx
Classification: Likely pathogenic. Last evaluated: 2024-06-04. Review status: criteria provided, single submitter. Criteria: GeneDx Variant Classification Process June 2021. Collection method: clinical testing. Allele origin: germline. Affected: yes.
Comment: Not observed at significant frequency in large population cohorts (gnomAD); RNA studies demonstrate a damaging as p.(R3181Q) resulted in exon skipping of out of frame exon 10 and insertion of a cryptic site (PMID: 36685911); In silico analysis supports a deleterious effect on splicing; This variant is associated with the following publications: (PMID: 36685911)

Counsyl
Classification: Uncertain significance for Alstrom syndrome. Last evaluated: 2017-11-14. Review status: no assertion criteria provided. Collection method: clinical testing. Allele origin: unknown. Not counted in ClinVar's aggregate classification.

Literature cited by the submitters: PubMed 36685911 (cited by Ambry Genetics).